The following is an entry in ClinVar:

ClinVar aggregate classification (germline): Likely benign (1 of 4 stars; one submission).

Allele frequency attached by ClinVar (database versions not stated): TOPMed 0.00310; gnomAD 0.00378 and 0.00401; 1000 Genomes Project 0.00160; 1000 Genomes Project 30x 0.00203.

Submission:

GeneDx
Classification: Likely benign. Last evaluated: 2018-06-16. Review status: criteria provided, single submitter. Criteria: GeneDx Variant Classification (06012015). Collection method: clinical testing. Allele origin: germline. Affected: yes.
Comment: This variant is considered likely benign or benign based on one or more of the following criteria: it is a conservative change, it occurs at a poorly conserved position in the protein, it is predicted to be benign by multiple in silico algorithms, and/or has population frequency not consistent with disease.

NM_016042.3(EXOSC3):c.-203G>A

Gene: EXOSC3 (exosome component 3; minus strand). Cytogenetic location: 9p13.2.
Variant type: single nucleotide variant.
Coding change: c.-203G>A on transcript NM_016042.3; 203 bases upstream of the start codon, G replaced by A.
Genome position (GRCh38, 1-based): chr9:37,785,247, C>T on the plus strand (G>A on the coding strand, the complement: EXOSC3 is on the minus strand). VCF-style: chr9-37785247-C-T. GRCh37 (hg19) VCF-style: chr9-37785244-C-T.
Identifiers: ClinVar variation 670512 (VCV000670512.3), dbSNP rs555925582, ClinGen allele CA192954392.